The following is an entry in ClinVar:

NM_013296.5(GPSM2):c.844G>T (p.Ala282Ser)

Gene: GPSM2 (G protein signaling modulator 2; plus strand). Cytogenetic location: 1p13.3.
Variant type: single nucleotide variant.
Coding change: c.844G>T on transcript NM_013296.5 (MANE Select); coding-DNA position 844, G replaced by T.
Protein change: p.Ala282Ser; replaces alanine 282 with serine.
Molecular consequence: missense variant.
Genome position (GRCh38, 1-based): chr1:108,901,836, G>T. VCF-style: chr1-108901836-G-T. GRCh37 (hg19) VCF-style: chr1-109444458-G-T.
Other names: c.844G>T, p.Ala282Ser (NM_001321038.2, NM_001321039.3); c.844G>T (NM_013296.4); short protein forms A282S.
Identifiers: ClinVar variation 1502261 (VCV001502261.8), dbSNP rs753366137, ClinGen allele CA982903.

ClinVar aggregate classification (germline): Uncertain significance. Review status: criteria provided, multiple submitters, no conflicts (2 of 4 stars). 2 submissions from 2 submitters: Uncertain significance (2). Last evaluated 2024-02-27.

Allele frequency attached by ClinVar (database versions not stated): gnomAD 0.00001; TOPMed below 0.00001.
gnomAD v4.1: 31 of 1,612,224 alleles (0.0019%); highest among the groups gnomAD compares: East Asian, 0.069%; no homozygotes.

Submissions (2):

GeneDx
Classification: Uncertain significance. Last evaluated: 2024-02-27. Review status: criteria provided, single submitter. Criteria: GeneDx Variant Classification Process June 2021. Collection method: clinical testing. Allele origin: germline. Affected: yes.
Comment: In silico analysis supports that this missense variant has a deleterious effect on protein structure/function; Has not been previously published as pathogenic or benign to our knowledge

Labcorp Genetics (formerly Invitae), Labcorp
Classification: Uncertain significance. Last evaluated: 2021-04-16. Review status: criteria provided, single submitter. Criteria: Invitae Variant Classification Sherloc (09022015). Collection method: clinical testing. Allele origin: germline.
Comment: This sequence change replaces alanine with serine at codon 282 of the GPSM2 protein (p.Ala282Ser). The alanine residue is highly conserved and there is a moderate physicochemical difference between alanine and serine. This variant is present in population databases (rs753366137, ExAC 0.06%). This variant has not been reported in the literature in individuals with GPSM2-related conditions. Algorithms developed to predict the effect of missense changes on protein structure and function are either unavailable or do not agree on the potential impact of this missense change (SIFT: "Deleterious"; PolyPhen-2: "Probably Damaging"; Align-GVGD: "Class C0"). In summary, the available evidence is currently insufficient to determine the role of this variant in disease. Therefore, it has been classified as a Variant of Uncertain Significance.